The following is an entry in ClinVar:

ClinVar aggregate classification (germline): Conflicting classifications of pathogenicity. Review status: criteria provided, conflicting classifications (1 of 4 stars). 3 submissions from 3 submitters: Likely risk allele (1); Uncertain significance (2). Last evaluated 2022-05-27.

Conditions:
Diabetic retinopathy. Identifiers: MedGen C0011884, MONDO:0005266.
Familial thoracic aortic aneurysm and aortic dissection (TAAD). Also called: Thoracic aortic aneurysms and dissections. Identifiers: Orphanet 91387, MedGen C4707243, MONDO:0019625.

Allele frequency attached by ClinVar (database versions not stated): TOPMed below 0.00001.

Submissions (3):

Ambry Genetics
Classification: Uncertain significance for Familial thoracic aortic aneurysm and aortic dissection. Last evaluated: 2022-05-27. Review status: criteria provided, single submitter. Criteria: Ambry Variant Classification Scheme 2023. Collection method: clinical testing. Allele origin: germline.
Comment: The p.H102R variant (also known as c.305A>G), located in coding exon 3 of the TGFBR2 gene, results from an A to G substitution at nucleotide position 305. The histidine at codon 102 is replaced by arginine, an amino acid with highly similar properties. This amino acid position is conserved. In addition, this alteration is predicted to be deleterious by in silico analysis. Since supporting evidence is limited at this time, the clinical significance of this alteration remains unclear.

Labcorp Genetics (formerly Invitae), Labcorp
Classification: Uncertain significance for Familial thoracic aortic aneurysm and aortic dissection. Last evaluated: 2021-08-27. Review status: criteria provided, single submitter. Criteria: Invitae Variant Classification Sherloc (09022015). Collection method: clinical testing. Allele origin: germline.
Comment: This sequence change replaces histidine with arginine at codon 102 of the TGFBR2 protein (p.His102Arg). The histidine residue is highly conserved and there is a small physicochemical difference between histidine and arginine. This variant is not present in population databases (ExAC no frequency). This variant has not been reported in the literature in individuals affected with TGFBR2-related conditions. Algorithms developed to predict the effect of missense changes on protein structure and function (SIFT, PolyPhen-2, Align-GVGD) all suggest that this variant is likely to be disruptive. In summary, the available evidence is currently insufficient to determine the role of this variant in disease. Therefore, it has been classified as a Variant of Uncertain Significance.

Clinical Genomics, Uppaluri K&H Personalized Medicine Clinic
Classification: Likely risk allele for Diabetic retinopathy. Review status: criteria provided, single submitter. Criteria: K And H Uppaluri Personalized Medicine Clinic Variant Classification And Assertion Criteria Updated V 2. Collection method: research. Allele origin: unknown.
Comment: Potent mutations in TGFBR2 gene encodes the transforming growth factor that have been associated with angiogenesis and diabetic retinopathy. More clinical studies are needed for stronger association. However, more evidence is required to confer the association of this particular variant rs777472799 with diabetic retinopathy.

Literature cited by the submitters: PubMed 30222965 (cited by Clinical Genomics, Uppaluri K&H Personalized Medicine Clinic); PubMed 28162229 (cited by Clinical Genomics, Uppaluri K&H Personalized Medicine Clinic); PubMed 34572573 (cited by Clinical Genomics, Uppaluri K&H Personalized Medicine Clinic).

NM_003242.6(TGFBR2):c.305A>G (p.His102Arg)

Gene: TGFBR2 (transforming growth factor beta receptor 2; plus strand). Cytogenetic location: 3p24.1.
Variant type: single nucleotide variant.
Coding change: c.305A>G on transcript NM_003242.6 (MANE Select); coding-DNA position 305, A replaced by G.
Protein change: p.His102Arg; replaces histidine 102 with arginine.
Molecular consequence: missense variant.
Genome position (GRCh38, 1-based): chr3:30,650,311, A>G. VCF-style: chr3-30650311-A-G. GRCh37 (hg19) VCF-style: chr3-30691803-A-G.
Other names: c.380A>G, p.His127Arg (NM_001024847.3, NM_001407126.1, NM_001407139.1); c.305A>G, p.His102Arg (NM_001407127.1, NM_001407130.1); c.332A>G, p.His111Arg (NM_001407128.1); c.200A>G, p.His67Arg (NM_001407129.1, NM_001407132.1, NM_001407133.1 and 3 more transcripts); short protein forms H102R, H127R, H111R, H67R.
Identifiers: ClinVar variation 1000156 (VCV001000156.5), dbSNP rs777472799, ClinGen allele CA351806789.